The following is an entry in ClinVar:

NM_182961.4(SYNE1):c.5644G>T (p.Gly1882Cys)

Gene: SYNE1 (spectrin repeat containing nuclear envelope protein 1; minus strand). Cytogenetic location: 6q25.2.
Variant type: single nucleotide variant.
Coding change: c.5644G>T on transcript NM_182961.4 (MANE Select); coding-DNA position 5644, G replaced by T.
Protein change: p.Gly1882Cys; replaces glycine 1882 with cysteine.
Molecular consequence: missense variant.
Genome position (GRCh38, 1-based): chr6:152,416,793, C>A on the plus strand (G>T on the coding strand, the complement: SYNE1 is on the minus strand). VCF-style: chr6-152416793-C-A. GRCh37 (hg19) VCF-style: chr6-152737928-C-A.
Other names: c.5665G>T (NM_033071.3); c.5665G>T, p.Gly1889Cys (NM_033071.5); short protein forms G1882C, G1889C.
Identifiers: ClinVar variation 284127 (VCV000284127.15), dbSNP rs747706541, ClinGen allele CA4058234.

ClinVar aggregate classification (germline): Uncertain significance. Review status: criteria provided, multiple submitters, no conflicts (2 of 4 stars). 3 submissions from 3 submitters: Uncertain significance (3). Last evaluated 2022-03-15.

Conditions:
Autosomal recessive ataxia, Beauce type. Also called: Spinocerebellar ataxia, autosomal recessive 8; ATAXIA, RECESSIVE, OF BEAUCE; SYNE1-Related Autosomal Recessive Cerebellar Ataxia; SYNE1 Deficiency. Identifiers: Orphanet 88644, MedGen C1853116, MONDO:0012549, OMIM 610743.
Emery-Dreifuss muscular dystrophy 4, autosomal dominant (EDMD4). Also called: EMERY-DREIFUSS MUSCULAR DYSTROPHY 4 WITH VARIABLE FEATURES. Identifiers: Orphanet 261, MedGen C2751807, MONDO:0013071, OMIM 612998.

Allele frequency attached by ClinVar (database versions not stated): gnomAD 0.00006; TOPMed 0.00006; gnomAD exomes 0.00008; ExAC 0.00014.
gnomAD v4.1: 62 of 1,614,022 alleles (0.0038%); highest among the groups gnomAD compares: Non-Finnish European, 0.0049%; no homozygotes.

Submissions (3):

Labcorp Genetics (formerly Invitae), Labcorp
Classification: Uncertain significance for Emery-Dreifuss muscular dystrophy 4, autosomal dominant; Autosomal recessive ataxia, Beauce type. Last evaluated: 2022-03-15. Review status: criteria provided, single submitter. Criteria: Invitae Variant Classification Sherloc (09022015). Collection method: clinical testing. Allele origin: germline.
Comment: ClinVar contains an entry for this variant (Variation ID: 284127). This sequence change replaces glycine, which is neutral and non-polar, with cysteine, which is neutral and slightly polar, at codon 1889 of the SYNE1 protein (p.Gly1889Cys). This variant is present in population databases (rs747706541, gnomAD 0.02%). This variant has not been reported in the literature in individuals affected with SYNE1-related conditions. Algorithms developed to predict the effect of missense changes on protein structure and function are either unavailable or do not agree on the potential impact of this missense change (SIFT: "Tolerated"; PolyPhen-2: "Possibly Damaging"; Align-GVGD: "Class C15"). In summary, the available evidence is currently insufficient to determine the role of this variant in disease. Therefore, it has been classified as a Variant of Uncertain Significance.

Revvity Omics, Revvity
Classification: Uncertain significance. Last evaluated: 2019-08-29. Review status: criteria provided, single submitter. Criteria: ACMG Guidelines, 2015. Collection method: clinical testing. Allele origin: germline.

Eurofins Ntd Llc (ga)
Classification: Uncertain significance. Last evaluated: 2015-11-03. Review status: criteria provided, single submitter. Criteria: EGL Classification Definitions 2015. Collection method: clinical testing. Allele origin: germline. Observed: 1 variant allele, 1 heterozygote.